The following is an entry in ClinVar:

ClinVar aggregate classification (germline): Uncertain significance (1 of 4 stars; one submission).

Conditions:
Dyskeratosis congenita. Identifiers: Orphanet 1775, MedGen C0265965, MONDO:0015780.

gnomAD v4.1: 2 of 1,612,830 alleles (0.00012%); highest among the groups gnomAD compares: South Asian, 0.0022%; no homozygotes.

Submission:

Ambry Genetics
Classification: Uncertain significance for Dyskeratosis congenita. Last evaluated: 2024-02-28. Review status: criteria provided, single submitter. Criteria: Ambry Variant Classification Scheme 2023. Collection method: clinical testing. Allele origin: germline.
Comment: The p.P524R variant (also known as c.1571C>G), located in coding exon 2 of the TERT gene, results from a C to G substitution at nucleotide position 1571. The proline at codon 524 is replaced by arginine, an amino acid with dissimilar properties. This amino acid position is conserved. In addition, the in silico prediction for this alteration is inconclusive. Based on the available evidence, the clinical significance of this alteration remains unclear.

NM_198253.3(TERT):c.1571C>G (p.Pro524Arg)

Gene: TERT (telomerase reverse transcriptase; minus strand). Cytogenetic location: 5p15.33.
Variant type: single nucleotide variant.
Coding change: c.1571C>G on transcript NM_198253.3 (MANE Select); coding-DNA position 1571, C replaced by G.
Protein change: p.Pro524Arg; replaces proline 524 with arginine.
Molecular consequence: missense variant. On other transcripts: non-coding transcript variant (2).
Genome position (GRCh38, 1-based): chr5:1,293,315, G>C on the plus strand (C>G on the coding strand, the complement: TERT is on the minus strand). VCF-style: chr5-1293315-G-C. GRCh37 (hg19) VCF-style: chr5-1293430-G-C.
Other names: c.1571C>G, p.Pro524Arg (NM_001193376.3, NM_003219.1); short protein forms P524R.
Identifiers: ClinVar variation 3238517 (VCV003238517.1), dbSNP rs2478407444.